The following is an entry in ClinVar:

ClinVar aggregate classification (germline): Pathogenic/Likely pathogenic. Review status: criteria provided, multiple submitters, no conflicts (2 of 4 stars). 2 submissions from 2 submitters: Pathogenic (1); Likely pathogenic (1). Last evaluated 2022-05-04.

Conditions:
Hereditary breast ovarian cancer syndrome. Also called: Hereditary breast and ovarian cancer syndrome (HBOC); Hereditary breast and ovarian cancer syndrome; Breast and ovarian cancer; BRCA1- and BRCA2-Associated Hereditary Breast and Ovarian Cancer; Hereditary breast and ovarian cancer; Hereditary breast and/or ovarian cancer syndrome. Identifiers: Orphanet 145, MedGen C0677776, MeSH D061325, MONDO:0003582. Disease mechanism: loss of function.
Hereditary cancer-predisposing syndrome. Also called: Neoplastic Syndromes, Hereditary; Hereditary Cancer Syndrome; Hereditary neoplastic syndrome; Tumor predisposition. Identifiers: Orphanet 140162, MedGen C0027672, MeSH D009386, MONDO:0015356.

Submissions (2):

Women's Health and Genetics/Laboratory Corporation of America, LabCorp
Classification: Likely pathogenic for Hereditary breast ovarian cancer syndrome. Last evaluated: 2022-05-04. Review status: criteria provided, single submitter. Criteria: LabCorp Variant Classification Summary - May 2015. Collection method: clinical testing. Allele origin: germline.
Comment: Variant summary: BRCA2 c.7570A>T (p.Lys2524X) results in a premature termination codon, predicted to cause a truncation of the encoded protein or absence of the protein due to nonsense mediated decay, which are commonly known mechanisms for disease. Truncations downstream of this position have been classified as pathogenic by our laboratory. The variant was absent in 251136 control chromosomes (gnomAD). To our knowledge, no occurrence of c.7570A>T in individuals affected with Hereditary Breast And Ovarian Cancer Syndrome and no experimental evidence demonstrating its impact on protein function have been reported. One ClinVar submitter (evaluation after 2014) cites the variant as pathogenic. Based on the evidence outlined above, the variant was classified as likely pathogenic.

Ambry Genetics
Classification: Pathogenic for Hereditary cancer-predisposing syndrome. Last evaluated: 2016-07-28. Review status: criteria provided, single submitter. Criteria: Ambry Variant Classification Scheme 2023. Collection method: clinical testing. Allele origin: germline.
Comment: The p.K2524* pathogenic mutation (also known as c.7570A>T), located in coding exon 14 of the BRCA2 gene, results from an A to T substitution at nucleotide position 7570. This changes the amino acid from a lysine to a stop codon within coding exon 14. This alteration is expected to result in loss of function by premature protein truncation or nonsense-mediated mRNA decay. As such, this alteration is interpreted as a disease-causing mutation.

NM_000059.4(BRCA2):c.7570A>T (p.Lys2524Ter)

Gene: BRCA2 (BRCA2 DNA repair associated; plus strand). Cytogenetic location: 13q13.1.
Variant type: single nucleotide variant.
Coding change: c.7570A>T on transcript NM_000059.4 (MANE Select); coding-DNA position 7570, A replaced by T.
Protein change: p.Lys2524Ter; replaces lysine 2524 with a stop codon.
Molecular consequence: nonsense.
Genome position (GRCh38, 1-based): chr13:32,356,562, A>T. VCF-style: chr13-32356562-A-T. GRCh37 (hg19) VCF-style: chr13-32930699-A-T.
Other names: short protein forms K2524*.
Identifiers: ClinVar variation 479342 (VCV000479342.6), dbSNP rs1555286291, ClinGen allele CA387743779.